The following is an entry in ClinVar:

NM_152906.7(TANGO2):c.473C>T (p.Ala158Val)

Gene: TANGO2 (transport and golgi organization 2 homolog; plus strand). Cytogenetic location: 22q11.21.
Variant type: single nucleotide variant.
Coding change: c.473C>T on transcript NM_152906.7 (MANE Select); coding-DNA position 473, C replaced by T.
Protein change: p.Ala158Val; replaces alanine 158 with valine.
Molecular consequence: missense variant. On other transcripts: non-coding transcript variant (3), intron variant (4).
Genome position (GRCh38, 1-based): chr22:20,061,551, C>T. VCF-style: chr22-20061551-C-T. GRCh37 (hg19) VCF-style: chr22-20049074-C-T.
Other names: c.473C>T (NM_152906.6, NM_152906.4); c.179C>T, p.Ala60Val (NM_001322171.2, NM_001322172.2, NM_001322173.2 and 6 more transcripts); c.381-1787C>T (NM_001283199.3); c.575-2991C>T (NM_001283215.3); c.504-1787C>T (NM_001322149.2); c.473C>T, p.Ala158Val (NM_001283106.3, NM_001283116.3, NM_001283148.3 and 2 more transcripts); c.596C>T, p.Ala199Val (NM_001283129.3, NM_001322141.2, NM_001322143.2 and 1 more transcripts); c.287C>T, p.Ala96Val (NM_001283179.3, NM_001283186.3, NM_001322163.2 and 3 more transcripts); and 3 more; short protein forms A124V, A137V, A60V, A96V, A158V, A199V.
Identifiers: ClinVar variation 1930575 (VCV001930575.5), dbSNP rs756778501, ClinGen allele CA10106466.

ClinVar aggregate classification (germline): Uncertain significance. Review status: criteria provided, multiple submitters, no conflicts (2 of 4 stars). 4 submissions from 4 submitters: Uncertain significance (4). Last evaluated 2026-04-20.

Conditions:
TANGO2-related disorder. Also called: TANGO2-related condition.

Allele frequency attached by ClinVar (database versions not stated): TOPMed 0.00003; ExAC 0.00004; gnomAD exomes 0.00002; gnomAD 0.00003.

Submissions (4):

PreventionGenetics, part of Exact Sciences
Classification: Uncertain significance for TANGO2-related condition. Last evaluated: 2026-04-20. Review status: criteria provided, single submitter. Criteria: ACMG Guidelines, 2015. Collection method: clinical testing. Allele origin: germline.
Comment: The TANGO2 c.473C>T variant is predicted to result in the amino acid substitution p.Ala158Val. This variant has been reported in trans to TANGO2 exon 3-9 deletion in an individual with TANGO2 deficiency disorder (Turco et al. 2026. DOI 10.3389/fped.2026.1786640). This variant is reported in 0.0049% of alleles in individuals of European (Non-Finnish) descent in gnomAD. Although we suspect that this variant is pathogenic, at this time, the clinical significance of this variant is uncertain due to the absence of conclusive functional and genetic evidence.

Blueprint Genetics
Classification: Uncertain significance. Last evaluated: 2024-07-30. Review status: criteria provided, single submitter. Criteria: ACMG Guidelines, 2015. Collection method: clinical testing. Allele origin: germline.

GeneDx
Classification: Uncertain significance. Last evaluated: 2022-11-06. Review status: criteria provided, single submitter. Criteria: GeneDx Variant Classification Process June 2021. Collection method: clinical testing. Allele origin: germline. Affected: yes.
Comment: Not observed at significant frequency in large population cohorts (gnomAD); In silico analysis supports that this missense variant does not alter protein structure/function; Has not been previously published as pathogenic or benign to our knowledge

Labcorp Genetics (formerly Invitae), Labcorp
Classification: Uncertain significance. Last evaluated: 2022-08-22. Review status: criteria provided, single submitter. Criteria: Invitae Variant Classification Sherloc (09022015). Collection method: clinical testing. Allele origin: germline.
Comment: This sequence change replaces alanine, which is neutral and non-polar, with valine, which is neutral and non-polar, at codon 158 of the TANGO2 protein (p.Ala158Val). The frequency data for this variant in the population databases is considered unreliable, as metrics indicate poor data quality at this position in the gnomAD database. This variant has not been reported in the literature in individuals affected with TANGO2-related conditions. Algorithms developed to predict the effect of missense changes on protein structure and function are either unavailable or do not agree on the potential impact of this missense change (SIFT: "Not Available"; PolyPhen-2: "Possibly Damaging"; Align-GVGD: "Not Available"). In summary, the available evidence is currently insufficient to determine the role of this variant in disease. Therefore, it has been classified as a Variant of Uncertain Significance.